The following is an entry in ClinVar:

ClinVar aggregate classification (germline): Uncertain significance (1 of 4 stars; one submission).

Submission:

Athena Diagnostics
Classification: Uncertain significance. Last evaluated: 2025-06-11. Review status: criteria provided, single submitter. Criteria: Athena Diagnostics Criteria. Collection method: clinical testing. Allele origin: unknown.
Comment: Available data are insufficient to determine the clinical significance of the variant at this time. The frequency of this variant in the general population is uninformative in assessment of its pathogenicity. Polyphen and MutationTaster predict this amino acid change may be benign.

NM_000217.3(KCNA1):c.1372G>A (p.Glu458Lys)

Gene: KCNA1 (potassium voltage-gated channel subfamily A member 1; plus strand). Cytogenetic location: 12p13.32.
Variant type: single nucleotide variant.
Coding change: c.1372G>A on transcript NM_000217.3 (MANE Select); coding-DNA position 1372, G replaced by A.
Protein change: p.Glu458Lys; replaces glutamic acid 458 with lysine.
Molecular consequence: missense variant.
Genome position (GRCh38, 1-based): chr12:4,912,750, G>A. VCF-style: chr12-4912750-G-A. GRCh37 (hg19) VCF-style: chr12-5021916-G-A.
Other names: short protein forms E458K.
Identifiers: ClinVar variation 4682268 (VCV004682268.1).